The following is an entry in ClinVar:

NM_000059.4(BRCA2):c.9256+279G>A

Gene: BRCA2 (BRCA2 DNA repair associated; plus strand). Cytogenetic location: 13q13.1.
Variant type: single nucleotide variant.
Coding change: c.9256+279G>A on transcript NM_000059.4 (MANE Select); 279 bases into the intron after coding-DNA position 9256, G replaced by A.
Molecular consequence: intron variant.
Genome position (GRCh38, 1-based): chr13:32,380,424, G>A. VCF-style: chr13-32380424-G-A. GRCh37 (hg19) VCF-style: chr13-32954561-G-A.
Other names: IVS 24+279G>A.
Identifiers: ClinVar variation 209949 (VCV000209949.3), dbSNP rs7328654, ClinGen allele CA276916.

ClinVar aggregate classification (germline): Benign. Review status: reviewed by expert panel (3 of 4 stars). 3 submissions from 3 submitters: Benign (1). 2 of the submissions do not count toward it. Last evaluated 2015-01-12.

Conditions:
Breast-ovarian cancer, familial, susceptibility to, 2 (BROVCA2). Also called: BRCA2 Hereditary Breast and Ovarian Cancer. Identifiers: Orphanet 145, MedGen C2675520, MONDO:0012933, OMIM 612555. Disease mechanism: loss of function.

Allele frequency attached by ClinVar (database versions not stated): TOPMed 0.52598; gnomAD 0.53246 and 0.53374; 1000 Genomes Project 30x 0.52139; 1000 Genomes Project 0.52356.
gnomAD v4.1: 80,619 of 151,680 alleles (53%); highest among the groups gnomAD compares: East Asian, 57%; 21,497 homozygotes.

Submissions (3):

Evidence-based Network for the Interpretation of Germline Mutant Alleles (ENIGMA)
Classification: Benign for Breast-ovarian cancer, familial 2. Last evaluated: 2015-01-12. Review status: reviewed by expert panel. Criteria: ENIGMA BRCA1/2 Classification Criteria (2015). Collection method: curation. Allele origin: germline.
Comment: Class 1 not pathogenic based on frequency >1% in an outbred sampleset. Frequency 0.549 (Asian), 0.5386 (African), 0.5383 (European), derived from 1000 genomes (2012-04-30).

GeneDx
Classification: Benign. Last evaluated: 2018-07-09. Review status: criteria provided, single submitter. Criteria: GeneDx Variant Classification Process June 2021. Collection method: clinical testing. Allele origin: germline. Affected: yes. Not counted in ClinVar's aggregate classification.

Breakthrough Genomics
Classification: Benign. Review status: criteria provided, single submitter. Criteria: ACMG Guidelines, 2015. Collection method: not provided. Allele origin: germline. Inheritance: Autosomal recessive inheritance. Affected: yes. Not counted in ClinVar's aggregate classification.